The following is an entry in ClinVar:

NM_000372.5(TYR):c.425A>T (p.Lys142Met)

Gene: TYR (tyrosinase; plus strand). Cytogenetic location: 11q14.3.
Variant type: single nucleotide variant.
Coding change: c.425A>T on transcript NM_000372.5 (MANE Select); coding-DNA position 425, A replaced by T.
Protein change: p.Lys142Met; replaces lysine 142 with methionine.
Molecular consequence: missense variant.
Genome position (GRCh38, 1-based): chr11:89,178,378, A>T. VCF-style: chr11-89178378-A-T. GRCh37 (hg19) VCF-style: chr11-88911546-A-T.
Other names: short protein forms K142M.
Identifiers: ClinVar variation 2735722 (VCV002735722.6), dbSNP rs754250982, ClinGen allele CA6221105.

ClinVar aggregate classification (germline): Pathogenic. Review status: criteria provided, multiple submitters, no conflicts (2 of 4 stars). 3 submissions from 3 submitters: Pathogenic (3). Last evaluated 2024-01-18.

Conditions:
SKIN/HAIR/EYE PIGMENTATION 3, LIGHT/DARK SKIN (SHEP3). Also called: EYE COLOR 1; EYE COLOR, GREEN/BLUE; SKIN/HAIR/EYE PIGMENTATION 3, BLUE/GREEN EYE COLOR; SKIN/HAIR/EYE PIGMENTATION 3, FRECKLING; SKIN/HAIR/EYE PIGMENTATION, VARIATION IN, 3. Identifiers: MedGen C2677190, OMIM 601800.
Oculocutaneous albinism type 1A (OCA1A). Also called: Albinism, oculocutaneous, type IA. Identifiers: Orphanet 352731, Orphanet 79431, MedGen C4551504, MONDO:0008745, OMIM 203100. Disease mechanism: loss of function.
Oculocutaneous albinism type 1B (OCA1B). Also called: ALBINISM, YELLOW MUTANT TYPE; YELLOW ALBINISM; ALBINISM, OCULOCUTANEOUS, TYPE IB. Identifiers: Orphanet 352731, Orphanet 352737, Orphanet 79434, MedGen C1847024, MONDO:0011749, OMIM 606952.

Allele frequency attached by ClinVar (database versions not stated): ExAC 0.00001; TOPMed 0.00001.
gnomAD v4.1: 4 of 1,614,166 alleles (0.00025%); highest among the groups gnomAD compares: East Asian, 0.0089%; no homozygotes.

Submissions (3):

Baylor Genetics
Classification: Pathogenic for SKIN/HAIR/EYE PIGMENTATION 3, LIGHT/DARK SKIN. Last evaluated: 2024-01-18. Review status: criteria provided, single submitter. Criteria: ACMG Guidelines, 2015. Collection method: clinical testing. Allele origin: unknown.

Labcorp Genetics (formerly Invitae), Labcorp
Classification: Pathogenic. Last evaluated: 2023-09-15. Review status: criteria provided, single submitter. Criteria: Invitae Variant Classification Sherloc (09022015). Collection method: clinical testing. Allele origin: germline.
Comment: This sequence change replaces lysine, which is basic and polar, with methionine, which is neutral and non-polar, at codon 142 of the TYR protein (p.Lys142Met). This variant is present in population databases (rs754250982, gnomAD 0.02%). This missense change has been observed in individual(s) with oculocutaneous albinism (PMID: 18701257, 19865097, 22097729, 31077556). In at least one individual the data is consistent with being in trans (on the opposite chromosome) from a pathogenic variant. Advanced modeling of protein sequence and biophysical properties (such as structural, functional, and spatial information, amino acid conservation, physicochemical variation, residue mobility, and thermodynamic stability) performed at Invitae indicates that this missense variant is expected to disrupt TYR protein function. Experimental studies have shown that this missense change affects TYR function (PMID: 27537549). For these reasons, this variant has been classified as Pathogenic.

Juno Genomics, Hangzhou Juno Genomics, Inc
Classification: Pathogenic for Oculocutaneous albinism type 1A; Oculocutaneous albinism type 1B. Review status: criteria provided, single submitter. Criteria: ACMG Guidelines, 2015. Collection method: clinical testing. Allele origin: germline. Affected: yes.
Comment: Absent from controls (or at extremely low frequency if recessive) in Genome Aggregation Database, Exome Sequencing Project, 1000 Genomes Project, or Exome Aggregation Consortium.;Multiple lines of computational evidence support a deleterious effect on the gene or gene product (conservation, evolutionary, splicing impact, etc).;For recessive disorders, detected in trans with a pathogenic variant.;Patient's phenotype or family history is highly specific for a disease with a single genetic etiology.

Literature cited by the submitters: PubMed 18701257 (cited by Labcorp Genetics (formerly Invitae), Labcorp); PubMed 19865097 (cited by Labcorp Genetics (formerly Invitae), Labcorp); PubMed 22097729 (cited by Labcorp Genetics (formerly Invitae), Labcorp); PubMed 31077556 (cited by Labcorp Genetics (formerly Invitae), Labcorp); PubMed 27537549 (cited by Labcorp Genetics (formerly Invitae), Labcorp).